The following is an entry in ClinVar:

ClinVar aggregate classification (germline): Uncertain significance. Review status: reviewed by expert panel (3 of 4 stars). 2 submissions from 2 submitters: Uncertain significance (1). 1 of the submissions does not count toward it. Last evaluated 2024-07-17.

Conditions:
Hereditary thrombocytopenia and hematological cancer predisposition syndrome associated with RUNX1. Also called: Familial Platelet Disorder with Propensity to Acute Myelogenous Leukemia; Familial thrombocytopenia with propensity to acute myelogenous leukemia; PLATELET DISORDER, ASPIRIN-LIKE; RUNX1 Familial Platelet Disorder with Associated Myeloid Malignancies. Identifiers: Orphanet 71290, MedGen C1832388, MeSH C563324, MONDO:0100083, OMIM 601399.
Hereditary thrombocytopenia and hematologic cancer predisposition syndrome. Identifiers: Orphanet 71290, MedGen CN281654, MONDO:0011071.

Submissions (2):

ClinGen Myeloid Malignancy Variant Curation Expert Panel
Classification: Uncertain significance for Hereditary thrombocytopenia and hematologic cancer predisposition syndrome. Last evaluated: 2024-07-17. Review status: reviewed by expert panel. Criteria: ClinGen MyeloMalig ACMG Specifications v2. Collection method: curation. Allele origin: germline. Inheritance: Autosomal dominant inheritance.
Comment: NM_001754.5(RUNX1):c.719C>T (p.Pro240Leu) is a missense variant. It is completely absent from all population databases with at least 20x coverage for RUNX1 (PM2_supporting). In summary, the clinical significance of this variant is uncertain. ACMG/AMP criteria applied, as specified by the Myeloid Malignancy Variant Curation Expert Panel for RUNX1: PM2_supporting.

Labcorp Genetics (formerly Invitae), Labcorp
Classification: Uncertain significance for Hereditary thrombocytopenia and hematological cancer predisposition syndrome associated with RUNX1. Last evaluated: 2024-06-10. Review status: criteria provided, single submitter. Criteria: Invitae Variant Classification Sherloc (09022015). Collection method: clinical testing. Allele origin: germline. Not counted in ClinVar's aggregate classification.
Comment: This sequence change replaces proline, which is neutral and non-polar, with leucine, which is neutral and non-polar, at codon 240 of the RUNX1 protein (p.Pro240Leu). This variant is not present in population databases (gnomAD no frequency). This variant has not been reported in the literature in individuals affected with RUNX1-related conditions. ClinVar contains an entry for this variant (Variation ID: 2417866). Advanced modeling of protein sequence and biophysical properties (such as structural, functional, and spatial information, amino acid conservation, physicochemical variation, residue mobility, and thermodynamic stability) has been performed at Invitae for this missense variant, however the output from this modeling did not meet the statistical confidence thresholds required to predict the impact of this variant on RUNX1 protein function. In summary, the available evidence is currently insufficient to determine the role of this variant in disease. Therefore, it has been classified as a Variant of Uncertain Significance.

NM_001754.5(RUNX1):c.719C>T (p.Pro240Leu)

Gene: RUNX1 (RUNX family transcription factor 1; minus strand). Cytogenetic location: 21q22.12.
Variant type: single nucleotide variant.
Coding change: c.719C>T on transcript NM_001754.5 (MANE Select); coding-DNA position 719, C replaced by T.
Protein change: p.Pro240Leu; replaces proline 240 with leucine.
Molecular consequence: missense variant.
Genome position (GRCh38, 1-based): chr21:34,834,496, G>A on the plus strand (C>T on the coding strand, the complement: RUNX1 is on the minus strand). VCF-style: chr21-34834496-G-A. GRCh37 (hg19) VCF-style: chr21-36206793-G-A.
Other names: NM_001754.5(RUNX1):c.719C>T; p.Pro240Leu; c.638C>T, p.Pro213Leu (NM_001001890.3, NM_001122607.2); short protein forms P213L, P240L.
Identifiers: ClinVar variation 2417866 (VCV002417866.7), dbSNP rs2146075724, ClinGen allele CA410206829.
Genomic context (GRCh38, chr21:34,834,496, plus strand): 5'-TTAAAGGCAGTGGAGTGGTTCAGGGAGGCACGAGGGTTGGGCGTGGGGGCTGGGTGGTGT[G>A]GGCTGACCCTCATGGCTGTGCGCCGCAGCTGCTCCAGTTCACTGAGCCGCTCGGAAAAGG-3'
Protein context (NP_001745.2, residues 230-250): QLRRTAMRVS[Pro240Leu]HHPAPTPNPR